The following is an entry in ClinVar:

NM_018292.5(QRSL1):c.1515T>C (p.Leu505=)

Gene: QRSL1 (glutaminyl-tRNA amidotransferase subunit QRSL1; plus strand). Cytogenetic location: 6q21.
Variant type: single nucleotide variant.
Coding change: c.1515T>C on transcript NM_018292.5 (MANE Select); coding-DNA position 1515, T replaced by C.
Protein change: p.Leu505=; no amino-acid change (leucine 505 retained).
Molecular consequence: synonymous variant.
Genome position (GRCh38, 1-based): chr6:106,665,930, T>C. VCF-style: chr6-106665930-T-C. GRCh37 (hg19) VCF-style: chr6-107113805-T-C.
Other names: c.1515T>C (NM_018292.4).
Identifiers: ClinVar variation 2720552 (VCV002720552.5), dbSNP rs374376224, ClinGen allele CA3945047.

ClinVar aggregate classification (germline): Likely benign. Review status: criteria provided, single submitter (1 of 4 stars). 2 submissions from 2 submitters: Likely benign (1). 1 of the submissions does not count toward it. Last evaluated 2025-06-08.

Conditions:
QRSL1-related disorder. Also called: QRSL1-related condition.

Allele frequency attached by ClinVar (database versions not stated): gnomAD 0.00002; gnomAD exomes 0.00009; ExAC 0.00002; TOPMed 0.00004; ESP Exome Variant Server 0.00008.
gnomAD v4.1: 129 of 1,613,874 alleles (0.008%); highest among the groups gnomAD compares: Non-Finnish European, 0.01%; 1 homozygote.

Submissions (2):

Labcorp Genetics (formerly Invitae), Labcorp
Classification: Likely benign. Last evaluated: 2025-06-08. Review status: criteria provided, single submitter. Criteria: Invitae Variant Classification Sherloc (09022015). Collection method: clinical testing. Allele origin: germline.

PreventionGenetics, part of Exact Sciences
Classification: Likely benign for QRSL1-related condition. Last evaluated: 2019-10-31. Review status: no assertion criteria provided. Collection method: clinical testing. Allele origin: germline. Not counted in ClinVar's aggregate classification.
Comment: This variant is classified as likely benign based on ACMG/AMP sequence variant interpretation guidelines (Richards et al. 2015 PMID: 25741868, with internal and published modifications).